The following is an entry in ClinVar:

NM_001184.4(ATR):c.2824C>A (p.His942Asn)

Gene: ATR (ATR checkpoint kinase; minus strand). Cytogenetic location: 3q23.
Variant type: single nucleotide variant.
Coding change: c.2824C>A on transcript NM_001184.4 (MANE Select); coding-DNA position 2824, C replaced by A.
Protein change: p.His942Asn; replaces histidine 942 with asparagine.
Molecular consequence: missense variant.
Genome position (GRCh38, 1-based): chr3:142,550,284, G>T on the plus strand (C>A on the coding strand, the complement: ATR is on the minus strand). VCF-style: chr3-142550284-G-T. GRCh37 (hg19) VCF-style: chr3-142269126-G-T.
Other names: c.2632C>A, p.His878Asn (NM_001354579.2); short protein forms H878N, H942N.
Identifiers: ClinVar variation 1796485 (VCV001796485.2), dbSNP rs2108456561, ClinGen allele CA354813450.

ClinVar aggregate classification (germline): Uncertain significance (1 of 4 stars; one submission).

Conditions:
Inborn genetic diseases. Identifiers: MedGen C0950123, MeSH D030342.

Submission:

Ambry Genetics
Classification: Uncertain significance for Inborn genetic diseases. Last evaluated: 2022-07-26. Review status: criteria provided, single submitter. Criteria: Ambry Variant Classification Scheme 2023. Collection method: clinical testing. Allele origin: germline.
Comment: The p.H942N variant (also known as c.2824C>A), located in coding exon 14 of the ATR gene, results from a C to A substitution at nucleotide position 2824. The histidine at codon 942 is replaced by asparagine, an amino acid with similar properties. This amino acid position is conserved. In addition, this alteration is predicted to be tolerated by in silico analysis. Since supporting evidence is limited at this time, the clinical significance of this alteration remains unclear.